The following is an entry in ClinVar:

ClinVar aggregate classification (germline): Likely benign. Review status: criteria provided, multiple submitters, no conflicts (2 of 4 stars). 5 submissions from 5 submitters: Likely benign (5). Last evaluated 2026-06-19.

Conditions:
MYH6-related disorder. Also called: MYH6-Related Disorders; MYH6-related condition.
Hypertrophic cardiomyopathy 14. Identifiers: MedGen C2750467, MONDO:0013197, OMIM 613251.
Cardiovascular phenotype. Identifiers: MedGen CN230736.

Allele frequency attached by ClinVar (database versions not stated): ExAC 0.00001; gnomAD exomes 0.00002; TOPMed 0.00008; gnomAD 0.00011.
gnomAD v4.1: 23 of 1,613,684 alleles (0.0014%); highest among the groups gnomAD compares: African/African-American, 0.025%; no homozygotes.

Submissions (5):

Women's Health and Genetics/Laboratory Corporation of America, LabCorp
Classification: Likely benign. Last evaluated: 2026-06-19. Review status: criteria provided, single submitter. Criteria: LabCorp Variant Classification Summary - May 2015. Collection method: clinical testing. Allele origin: germline.

PreventionGenetics, part of Exact Sciences
Classification: Likely benign for MYH6-related condition. Last evaluated: 2026-03-02. Review status: criteria provided, single submitter. Criteria: ACMG Guidelines, 2015. Collection method: clinical testing. Allele origin: germline.
Comment: This variant is classified as likely benign based on ACMG/AMP sequence variant interpretation guidelines (Richards et al. 2015 PMID: 25741868, with internal and published modifications).

Labcorp Genetics (formerly Invitae), Labcorp
Classification: Likely benign for Hypertrophic cardiomyopathy 14. Last evaluated: 2025-11-03. Review status: criteria provided, single submitter. Criteria: Invitae Variant Classification Sherloc (09022015). Collection method: clinical testing. Allele origin: germline.

Ambry Genetics
Classification: Likely benign for Cardiovascular phenotype. Last evaluated: 2019-07-04. Review status: criteria provided, single submitter. Criteria: Ambry Variant Classification Scheme 2023. Collection method: clinical testing. Allele origin: germline.

GeneDx
Classification: Likely benign. Last evaluated: 2019-02-06. Review status: criteria provided, single submitter. Criteria: GeneDx Variant Classification Process June 2021. Collection method: clinical testing. Allele origin: germline. Affected: yes.

NM_002471.4(MYH6):c.4122G>A (p.Arg1374=)

Gene: MYH6 (myosin heavy chain 6; minus strand). Cytogenetic location: 14q11.2.
Variant type: single nucleotide variant.
Coding change: c.4122G>A on transcript NM_002471.4 (MANE Select); coding-DNA position 4122, G replaced by A.
Protein change: p.Arg1374=; no amino-acid change (arginine 1374 retained).
Molecular consequence: synonymous variant.
Genome position (GRCh38, 1-based): chr14:23,388,912, C>T on the plus strand (G>A on the coding strand, the complement: MYH6 is on the minus strand). VCF-style: chr14-23388912-C-T. GRCh37 (hg19) VCF-style: chr14-23858121-C-T.
Identifiers: ClinVar variation 1213377 (VCV001213377.15), dbSNP rs781616503, ClinGen allele CA7114924.
Genomic context (GRCh38, chr14:23,388,912, plus strand): 5'-AGCTCACTTGGCCTCTTCGAGCTCCTCAGTCCGCTGAATGGCGTCCGTCTCATACTTGGT[C>T]CTCCACTGGGCCACCTCCGAGTTGGCCTTGGACAGGACGCGCTGCAGCTCGGCCTTGGCC-3'
Protein context (NP_002462.2, residues 1364-1384): SKANSEVAQW[Arg1374=]TKYETDAIQR